The following is an entry in ClinVar:

NM_001330311.2(DVL1):c.1850G>T (p.Arg617Leu)

Gene: DVL1 (dishevelled segment polarity protein 1; minus strand). Cytogenetic location: 1p36.33.
Variant type: single nucleotide variant.
Coding change: c.1850G>T on transcript NM_001330311.2 (MANE Select); coding-DNA position 1850, G replaced by T.
Protein change: p.Arg617Leu; replaces arginine 617 with leucine.
Molecular consequence: missense variant.
Genome position (GRCh38, 1-based): chr1:1,336,380, C>A on the plus strand (G>T on the coding strand, the complement: DVL1 is on the minus strand). VCF-style: chr1-1336380-C-A. GRCh37 (hg19) VCF-style: chr1-1271760-C-A.
Other names: c.1775G>T, p.Arg592Leu (NM_004421.3); short protein forms R592L, R617L.
Identifiers: ClinVar variation 1050587 (VCV001050587.1), dbSNP rs140108185, ClinGen allele CA519808.

ClinVar aggregate classification (germline): Uncertain significance (0 of 4 stars; one submission).

gnomAD v4.1: 12 of 1,598,410 alleles (0.00075%); highest among the groups gnomAD compares: South Asian, 0.013%; no homozygotes.

Submission:

Department of Pathology and Laboratory Medicine, Sinai Health System
Classification: Uncertain significance. Review status: no assertion criteria provided. Collection method: clinical testing. Allele origin: unknown. Affected: yes. Study: The Canadian Open Genetics Repository (COGR).
Comment: The DVL1 p.Arg592Leu variant was not identified in the literature nor was it identified in ClinVar or LOVD 3.0. The variant was identified in dbSNP (ID: rs140108185) and in control databases in 1 of 222670 chromosomes at a frequency of 0.000004491 (Genome Aggregation Database March 6, 2019, v2.1.1). The variant was observed in the South Asian population in 1 of 30050 chromosomes (freq: 0.000033), but was not observed in the African, Latino, Ashkenazi Jewish, East Asian, European (Finnish), European (non-Finnish), and Other populations. The p.Arg592 residue is not conserved in mammals and four out of five computational analyses (PolyPhen-2, SIFT, AlignGVGD, BLOSUM, MutationTaster) do not suggest a high likelihood of impact to the protein; however, this information is not predictive enough to rule out pathogenicity. The variant occurs outside of the splicing consensus sequence and in silico or computational prediction software programs (SpliceSiteFinder, MaxEntScan, NNSPLICE, GeneSplicer) do not predict a difference in splicing. In summary, based on the above information the clinical significance of this variant cannot be determined with certainty at this time. This variant is classified as a variant of uncertain significance.